The following is an entry in ClinVar:

NM_001267550.2(TTN):c.73148C>A (p.Ser24383Ter)

Genes: TTN (titin; minus strand), TTN-AS1 (TTN antisense RNA 1; plus strand). Cytogenetic location: 2q31.2.
Variant type: single nucleotide variant.
Coding change: c.73148C>A on transcript NM_001267550.2 (MANE Select); coding-DNA position 73148, C replaced by A.
Protein change: p.Ser24383Ter; replaces serine 24383 with a stop codon.
Molecular consequence: nonsense.
Genome position (GRCh38, 1-based): chr2:178,572,984, G>T on the plus strand (C>A on the coding strand, the complement: TTN is on the minus strand). VCF-style: chr2-178572984-G-T. GRCh37 (hg19) VCF-style: chr2-179437711-G-T.
Other names: c.68225C>A, p.Ser22742Ter (NM_001256850.1); c.45953C>A, p.Ser15318Ter (NM_003319.4); c.65444C>A, p.Ser21815Ter (NM_133378.4); c.46328C>A, p.Ser15443Ter (NM_133432.3); c.46529C>A, p.Ser15510Ter (NM_133437.4); short protein forms S15443*, S15318*, S22742*, S15510*, S24383*, S21815*.
Identifiers: ClinVar variation 1999742 (VCV001999742.4), dbSNP rs368415251, ClinGen allele CA349643663.
Genomic context (GRCh38, chr2:178,572,984, plus strand): 5'-TTCATGGCATAGATGCGGATCTTATATTCCTGATTCTCTGTGAGGCCAGTGATAGTATAC[G>T]AAGTTGCCTTGAGTCCTGCTGGTGGAGTGACAATCTGCCATTCATCTTCCTCTGGCAGGG-3'

ClinVar aggregate classification (germline): Likely pathogenic (1 of 4 stars; one submission).

Conditions:
Dilated cardiomyopathy 1G (CMD1G). Identifiers: Orphanet 154, MedGen C1858763, MONDO:0011400, OMIM 604145.
Autosomal recessive limb-girdle muscular dystrophy type 2J (LGMDR10). Also called: Limb-girdle muscular dystrophy, type 2J; MUSCULAR DYSTROPHY, LIMB-GIRDLE, AUTOSOMAL RECESSIVE 10. Identifiers: Orphanet 140922, MedGen C1837342, MONDO:0012127, OMIM 608807.

Submission:

Labcorp Genetics (formerly Invitae), Labcorp
Classification: Likely pathogenic for Dilated cardiomyopathy 1G; Autosomal recessive limb-girdle muscular dystrophy type 2J. Last evaluated: 2024-03-27. Review status: criteria provided, single submitter. Criteria: Invitae Variant Classification Sherloc (09022015). Collection method: clinical testing. Allele origin: germline.
Comment: This sequence change creates a premature translational stop signal (p.Ser24383*) in the TTN gene. While this is not anticipated to result in nonsense mediated decay, it is expected to create a truncated TTN protein. This variant is not present in population databases (gnomAD no frequency). This variant has not been reported in the literature in individuals affected with TTN-related conditions. ClinVar contains an entry for this variant (Variation ID: 1999742). This variant is located in the A band of TTN (PMID: 25589632). Truncating variants in this region are significantly overrepresented in patients affected with dilated cardiomyopathy (PMID: 25589632). Truncating variants in this region have also been reported in individuals affected with autosomal recessive centronuclear myopathy (PMID: 23975875). In summary, the currently available evidence indicates that the variant is pathogenic, but additional data are needed to prove that conclusively. Therefore, this variant has been classified as Likely Pathogenic.

Literature cited by the submitters: PubMed 25589632; PubMed 23975875.